The following is an entry in ClinVar:

ClinVar aggregate classification (germline): Uncertain significance (1 of 4 stars; one submission).

Submission:

Labcorp Genetics (formerly Invitae), Labcorp
Classification: Uncertain significance. Last evaluated: 2024-04-10. Review status: criteria provided, single submitter. Criteria: Invitae Variant Classification Sherloc (09022015). Collection method: clinical testing. Allele origin: germline.
Comment: This sequence change replaces alanine, which is neutral and non-polar, with proline, which is neutral and non-polar, at codon 1068 of the MYH7B protein (p.Ala1068Pro). This variant is not present in population databases (gnomAD no frequency). This variant has not been reported in the literature in individuals affected with MYH7B-related conditions. Advanced modeling of protein sequence and biophysical properties (such as structural, functional, and spatial information, amino acid conservation, physicochemical variation, residue mobility, and thermodynamic stability) performed at Invitae indicates that this missense variant is not expected to disrupt MYH7B protein function with a negative predictive value of 80%. In summary, the available evidence is currently insufficient to determine the role of this variant in disease. Therefore, it has been classified as a Variant of Uncertain Significance.

NM_020884.7(MYH7B):c.3076G>C (p.Ala1026Pro)

Gene: MYH7B (myosin heavy chain 7B; plus strand). Cytogenetic location: 20q11.22.
Variant type: single nucleotide variant.
Coding change: c.3076G>C on transcript NM_020884.7 (MANE Select); coding-DNA position 3076, G replaced by C.
Protein change: p.Ala1026Pro; replaces alanine 1026 with proline.
Molecular consequence: missense variant.
Genome position (GRCh38, 1-based): chr20:34,996,478, G>C. VCF-style: chr20-34996478-G-C. GRCh37 (hg19) VCF-style: chr20-33584281-G-C.
Other names: short protein forms A1026P.
Identifiers: ClinVar variation 3697934 (VCV003697934.1).